The following is an entry in ClinVar:

ClinVar aggregate classification (germline): Uncertain significance (1 of 4 stars; one submission).

gnomAD v4.1: 1 of 1,612,866 alleles (0.000062%); highest among the groups gnomAD compares: African/African-American, 0.0013%; no homozygotes.

Submission:

Labcorp Genetics (formerly Invitae), Labcorp
Classification: Uncertain significance. Last evaluated: 2022-09-07. Review status: criteria provided, single submitter. Criteria: Invitae Variant Classification Sherloc (09022015). Collection method: clinical testing. Allele origin: germline.
Comment: This sequence change replaces histidine, which is basic and polar, with proline, which is neutral and non-polar, at codon 387 of the MICU1 protein (p.His387Pro). This variant is present in population databases (no rsID available, gnomAD 0.007%). In summary, the available evidence is currently insufficient to determine the role of this variant in disease. Therefore, it has been classified as a Variant of Uncertain Significance. Algorithms developed to predict the effect of missense changes on protein structure and function are either unavailable or do not agree on the potential impact of this missense change (SIFT: "Deleterious"; PolyPhen-2: "Not Available"; Align-GVGD: "Class C0"). This variant has not been reported in the literature in individuals affected with MICU1-related conditions.

NM_001195518.2(MICU1):c.1154A>C (p.His385Pro)

Gene: MICU1 (mitochondrial calcium uptake 1; minus strand). Cytogenetic location: 10q22.1.
Variant type: single nucleotide variant.
Coding change: c.1154A>C on transcript NM_001195518.2 (MANE Select); coding-DNA position 1154, A replaced by C.
Protein change: p.His385Pro; replaces histidine 385 with proline.
Molecular consequence: missense variant.
Genome position (GRCh38, 1-based): chr10:72,407,955, T>G on the plus strand (A>C on the coding strand, the complement: MICU1 is on the minus strand). VCF-style: chr10-72407955-T-G. GRCh37 (hg19) VCF-style: chr10-74167713-T-G.
Other names: c.560A>C, p.His187Pro (NM_001195519.2); c.1172A>C, p.His391Pro (NM_001363513.2); c.1160A>C, p.His387Pro (NM_006077.4); short protein forms H387P, H385P, H187P, H391P.
Identifiers: ClinVar variation 1969051 (VCV001969051.3), dbSNP rs1311647830, ClinGen allele CA377169101.
Genomic context (GRCh38, chr10:72,407,955, plus strand): 5'-TACCTTCAAAAAAACACTTTTTGAGTTTCATTACCTTTATCAAGAGATGCTCCAGCCATA[T>G]GGTAAAAACTCAATGCAGTGTCCACATCATTAATGTTCTTTAGGAAAGTAAAGAAGTTCT-3'
Protein context (NP_001182447.1, residues 375-395): NDVDTALSFY[His385Pro]MAGASLDKVT